The following is an entry in ClinVar:

ClinVar aggregate classification (germline): Conflicting classifications of pathogenicity. Review status: criteria provided, conflicting classifications (1 of 4 stars). 4 submissions from 4 submitters: Uncertain significance (1); Benign (1); Likely benign (2). Last evaluated 2025-11-03.

Conditions:
ARID1B-Related Disorder. Identifiers: MedGen CN381337.

Submissions (4):

Labcorp Genetics (formerly Invitae), Labcorp
Classification: Uncertain significance. Last evaluated: 2025-11-03. Review status: criteria provided, single submitter. Criteria: Invitae Variant Classification Sherloc (09022015). Collection method: clinical testing. Allele origin: germline.
Comment: This variant, c.264_266dup, results in the insertion of 1 amino acid(s) of the ARID1B protein (p.His89dup), but otherwise preserves the integrity of the reading frame. The frequency data for this variant in the population databases is considered unreliable, as metrics indicate poor data quality at this position in the gnomAD database. This variant has not been reported in the literature in individuals affected with ARID1B-related conditions. ClinVar contains an entry for this variant (Variation ID: 1283145). In summary, the available evidence is currently insufficient to determine the role of this variant in disease. Therefore, it has been classified as a Variant of Uncertain Significance.

PreventionGenetics, part of Exact Sciences
Classification: Likely benign for ARID1B-related condition. Last evaluated: 2025-04-17. Review status: criteria provided, single submitter. Criteria: ACMG Guidelines, 2015. Collection method: clinical testing. Allele origin: germline.
Comment: This variant is classified as likely benign based on ACMG/AMP sequence variant interpretation guidelines (Richards et al. 2015 PMID: 25741868, with internal and published modifications).

Blueprint Genetics
Classification: Likely benign. Last evaluated: 2024-02-15. Review status: criteria provided, single submitter. Criteria: ACMG Guidelines, 2015. Collection method: clinical testing. Allele origin: germline.

GeneDx
Classification: Benign. Last evaluated: 2020-09-09. Review status: criteria provided, single submitter. Criteria: GeneDx Variant Classification Process June 2021. Collection method: clinical testing. Allele origin: germline. Affected: yes.

NM_001374828.1(ARID1B):c.501CCA[6] (p.His172_Ala173insHis)

Genes: ARID1B (AT-rich interaction domain 1B; plus strand), LOC115308161 (uncharacterized LOC115308161; minus strand). Cytogenetic location: 6q25.3.
Variant type: Microsatellite.
Coding change: c.501CCA[6] on transcript NM_001374828.1 (MANE Select); six copies in a row of the 3-base unit CCA starting at c.501; the reference has five copies in a row; one copy, 3 bases duplicated.
Protein change: p.His172_Ala173insHis.
Molecular consequence: inframe insertion.
Genome position (GRCh38, 1-based): chr6:156,778,193-156,778,195, CCA duplicated; duplicating any 3 consecutive bases within chr6:156,778,179-156,778,195 gives the same sequence; the position shown is the placement nearest the transcript's 3' end. VCF-style (leftmost placement, unchanged base first): chr6-156778178-G-GCAC. GRCh37 (hg19) VCF-style: chr6-157099312-G-GCAC.
Other names: c.264_266dup (NM_020732.3); c.501CCA[6], p.His172_Ala173insHis (NM_001371656.1, NM_001374820.1, NM_017519.3); c.264_266dupCCA (NM_020732.3).
Identifiers: ClinVar variation 1283145 (VCV001283145.8), dbSNP rs752012879, ClinGen allele CA4066630.